The following is an entry in ClinVar:

NM_005097.4(LGI1):c.163T>C (p.Cys55Arg)

Gene: LGI1 (leucine rich glioma inactivated 1; plus strand). Cytogenetic location: 10q23.33.
Variant type: single nucleotide variant.
Coding change: c.163T>C on transcript NM_005097.4 (MANE Select); coding-DNA position 163, T replaced by C.
Protein change: p.Cys55Arg; replaces cysteine 55 with arginine.
Molecular consequence: missense variant. On other transcripts: non-coding transcript variant (1).
Genome position (GRCh38, 1-based): chr10:93,758,307, T>C. VCF-style: chr10-93758307-T-C. GRCh37 (hg19) VCF-style: chr10-95518064-T-C.
Other names: c.163T>C, p.Cys55Arg (NM_001308275.2, NM_001308276.2); short protein forms C55R.
Identifiers: ClinVar variation 2844259 (VCV002844259.3), dbSNP rs2133975586, ClinGen allele CA377631463.

ClinVar aggregate classification (germline): Uncertain significance (1 of 4 stars; one submission).

Conditions:
Autosomal dominant epilepsy with auditory features. Identifiers: Orphanet 101046, MedGen C1838062, MONDO:0010898.

Submission:

Labcorp Genetics (formerly Invitae), Labcorp
Classification: Uncertain significance for Autosomal dominant epilepsy with auditory features. Last evaluated: 2023-03-08. Review status: criteria provided, single submitter. Criteria: Invitae Variant Classification Sherloc (09022015). Collection method: clinical testing. Allele origin: germline.
Comment: In summary, the available evidence is currently insufficient to determine the role of this variant in disease. Therefore, it has been classified as a Variant of Uncertain Significance. This sequence change replaces cysteine, which is neutral and slightly polar, with arginine, which is basic and polar, at codon 55 of the LGI1 protein (p.Cys55Arg). This variant is not present in population databases (gnomAD no frequency). This variant has not been reported in the literature in individuals affected with LGI1-related conditions. Advanced modeling of protein sequence and biophysical properties (such as structural, functional, and spatial information, amino acid conservation, physicochemical variation, residue mobility, and thermodynamic stability) has been performed at Invitae for this missense variant, however the output from this modeling did not meet the statistical confidence thresholds required to predict the impact of this variant on LGI1 protein function.